The following is an entry in ClinVar:

NM_002335.4(LRP5):c.3728A>G (p.His1243Arg)

Gene: LRP5 (LDL receptor related protein 5; plus strand). Cytogenetic location: 11q13.2.
Variant type: single nucleotide variant.
Coding change: c.3728A>G on transcript NM_002335.4 (MANE Select); coding-DNA position 3728, A replaced by G.
Protein change: p.His1243Arg; replaces histidine 1243 with arginine.
Molecular consequence: missense variant.
Genome position (GRCh38, 1-based): chr11:68,429,665, A>G. VCF-style: chr11-68429665-A-G. GRCh37 (hg19) VCF-style: chr11-68197133-A-G.
Other names: c.1985A>G, p.His662Arg (NM_001291902.2); short protein forms H1243R, H662R.
Identifiers: ClinVar variation 2067773 (VCV002067773.4), dbSNP rs2496853533, ClinGen allele CA381613379.

ClinVar aggregate classification (germline): Uncertain significance (1 of 4 stars; one submission).

Submission:

Labcorp Genetics (formerly Invitae), Labcorp
Classification: Uncertain significance. Last evaluated: 2021-12-31. Review status: criteria provided, single submitter. Criteria: Invitae Variant Classification Sherloc (09022015). Collection method: clinical testing. Allele origin: germline.
Comment: In summary, the available evidence is currently insufficient to determine the role of this variant in disease. Therefore, it has been classified as a Variant of Uncertain Significance. Advanced modeling of protein sequence and biophysical properties (such as structural, functional, and spatial information, amino acid conservation, physicochemical variation, residue mobility, and thermodynamic stability) performed at Invitae indicates that this missense variant is expected to disrupt LRP5 protein function. This variant has not been reported in the literature in individuals affected with LRP5-related conditions. This variant is not present in population databases (gnomAD no frequency). This sequence change replaces histidine, which is basic and polar, with arginine, which is basic and polar, at codon 1243 of the LRP5 protein (p.His1243Arg).